The following is an entry in ClinVar:

ClinVar aggregate classification (germline): Uncertain significance (1 of 4 stars; one submission).

Conditions:
POLD1-related polyposis and colorectal cancer syndrome (CRCS10). Also called: Colorectal cancer 10; COLORECTAL CANCER, SUSCEPTIBILITY TO, ON CHROMOSOME 19q; Colorectal cancer, susceptibility to, 10. Identifiers: Orphanet 220460, MedGen C2675481, MONDO:0012953, OMIM 612591.

Submission:

Labcorp Genetics (formerly Invitae), Labcorp
Classification: Uncertain significance for POLD1-related polyposis and colorectal cancer syndrome. Last evaluated: 2025-01-19. Review status: criteria provided, single submitter. Criteria: Invitae Variant Classification Sherloc (09022015). Collection method: clinical testing. Allele origin: germline.
Comment: This sequence change replaces phenylalanine, which is neutral and non-polar, with serine, which is neutral and polar, at codon 315 of the POLD1 protein (p.Phe315Ser). This variant is not present in population databases (gnomAD no frequency). This variant has not been reported in the literature in individuals affected with POLD1-related conditions. Invitae Evidence Modeling of protein sequence and biophysical properties (such as structural, functional, and spatial information, amino acid conservation, physicochemical variation, residue mobility, and thermodynamic stability) indicates that this missense variant is expected to disrupt POLD1 protein function with a positive predictive value of 80%. In summary, the available evidence is currently insufficient to determine the role of this variant in disease. Therefore, it has been classified as a Variant of Uncertain Significance.

NM_002691.4(POLD1):c.944T>C (p.Phe315Ser)

Gene: POLD1 (DNA polymerase delta 1, catalytic subunit; plus strand). Cytogenetic location: 19q13.33.
Variant type: single nucleotide variant.
Coding change: c.944T>C on transcript NM_002691.4 (MANE Select); coding-DNA position 944, T replaced by C.
Protein change: p.Phe315Ser; replaces phenylalanine 315 with serine.
Molecular consequence: missense variant. On other transcripts: non-coding transcript variant (1).
Genome position (GRCh38, 1-based): chr19:50,402,715, T>C. VCF-style: chr19-50402715-T-C. GRCh37 (hg19) VCF-style: chr19-50905972-T-C.
Other names: c.944T>C, p.Phe315Ser (NM_001256849.1, NM_001308632.1); short protein forms F315S.
Identifiers: ClinVar variation 3666337 (VCV003666337.2).